The following is an entry in ClinVar:

NM_005263.5(GFI1):c.787G>A (p.Val263Met)

Gene: GFI1 (growth factor independent 1 transcriptional repressor; minus strand). Cytogenetic location: 1p22.1.
Variant type: single nucleotide variant.
Coding change: c.787G>A on transcript NM_005263.5 (MANE Select); coding-DNA position 787, G replaced by A.
Protein change: p.Val263Met; replaces valine 263 with methionine.
Molecular consequence: missense variant.
Genome position (GRCh38, 1-based): chr1:92,480,485, C>T on the plus strand (G>A on the coding strand, the complement: GFI1 is on the minus strand). VCF-style: chr1-92480485-C-T. GRCh37 (hg19) VCF-style: chr1-92946042-C-T.
Other names: c.787G>A, p.Val263Met (NM_001127215.3, NM_001127216.3); short protein forms V263M.
Identifiers: ClinVar variation 4671565 (VCV004671565.1).
Genomic context (GRCh38, chr1:92,480,485, plus strand): 5'-GTCTGGTACCGCTGTGGGACCTGCGCACGTGCACCTCGAGCCCGTGCGGCGTGGAGAACA[C>T]CTAAGGCGGGTGGGGCCAGAGAGAAGGCCGCTGAGAGGGGCCGCGGGGCGCAGGCGAGGC-3'
Protein context (NP_005254.2, residues 253-273): GSYKCIKCSK[Val263Met]FSTPHGLEVH

ClinVar aggregate classification (germline): Uncertain significance (1 of 4 stars; one submission).

Submission:

Ambry Genetics
Classification: Uncertain significance. Last evaluated: 2025-10-02. Review status: criteria provided, single submitter. Criteria: Ambry Variant Classification Scheme 2023. Collection method: clinical testing. Allele origin: germline.
Comment: The p.V263M variant (also known as c.787G>A) is located in coding exon 4 of the GFI1 gene. The valine at codon 263 is replaced by methionine, an amino acid with highly similar properties. This change occurs in the first base pair of coding exon 4. This amino acid position is conserved. In addition, this alteration is predicted to be tolerated by in silico analysis. Based on the available evidence, the clinical significance of this variant remains unclear.